The following is an entry in ClinVar:

ClinVar aggregate classification (germline): Conflicting classifications of pathogenicity. Review status: criteria provided, conflicting classifications (1 of 4 stars). 2 submissions from 2 submitters: Uncertain significance (1); Likely benign (1). Last evaluated 2025-04-28.

Conditions:
Cowden syndrome (CS). Also called: Cowden's disease; Cowden's syndrome; Cowden disease. Identifiers: Orphanet 201, MedGen C0018553, MONDO:0016063. Disease mechanism: gain of function.
Inborn genetic diseases. Identifiers: MedGen C0950123, MeSH D030342.

Allele frequency attached by ClinVar (database versions not stated): TOPMed 0.00005; gnomAD 0.00006.
gnomAD v4.1: 35 of 1,613,448 alleles (0.0022%); highest among the groups gnomAD compares: African/African-American, 0.0053%; no homozygotes.

Submissions (2):

Labcorp Genetics (formerly Invitae), Labcorp
Classification: Uncertain significance for Cowden syndrome. Last evaluated: 2025-04-28. Review status: criteria provided, single submitter. Criteria: Invitae Variant Classification Sherloc (09022015). Collection method: clinical testing. Allele origin: germline.
Comment: This sequence change replaces valine, which is neutral and non-polar, with isoleucine, which is neutral and non-polar, at codon 71 of the PIK3CA protein (p.Val71Ile). This variant is present in population databases (rs201269904, gnomAD 0.008%). This variant has not been reported in the literature in individuals affected with PIK3CA-related conditions. ClinVar contains an entry for this variant (Variation ID: 456536). Invitae Evidence Modeling of protein sequence and biophysical properties (such as structural, functional, and spatial information, amino acid conservation, physicochemical variation, residue mobility, and thermodynamic stability) has been performed for this missense variant. However, the output from this modeling did not meet the statistical confidence thresholds required to predict the impact of this variant on PIK3CA protein function. In summary, the available evidence is currently insufficient to determine the role of this variant in disease. Therefore, it has been classified as a Variant of Uncertain Significance.

Ambry Genetics
Classification: Likely benign for Inborn genetic diseases. Last evaluated: 2021-08-27. Review status: criteria provided, single submitter. Criteria: Ambry Variant Classification Scheme 2023. Collection method: clinical testing. Allele origin: germline.

NM_006218.4(PIK3CA):c.211G>A (p.Val71Ile)

Gene: PIK3CA (phosphatidylinositol-4,5-bisphosphate 3-kinase catalytic subunit alpha; plus strand). Cytogenetic location: 3q26.32.
Variant type: single nucleotide variant.
Coding change: c.211G>A on transcript NM_006218.4 (MANE Select); coding-DNA position 211, G replaced by A.
Protein change: p.Val71Ile; replaces valine 71 with isoleucine.
Molecular consequence: missense variant.
Genome position (GRCh38, 1-based): chr3:179,199,036, G>A. VCF-style: chr3-179199036-G-A. GRCh37 (hg19) VCF-style: chr3-178916824-G-A.
Other names: c.211G>A (LRG_310t1); short protein forms V71I.
Identifiers: ClinVar variation 456536 (VCV000456536.11), dbSNP rs201269904, ClinGen allele CA2710510.
Genomic context (GRCh38, chr3:179,199,036, plus strand): 5'-AAAGAAGCAAGAAAATACCCCCTCCATCAACTTCTTCAAGATGAATCTTCTTACATTTTC[G>A]TAAGTGTTACTCAAGAAGCAGAAAGGGAAGAATTTTTTGATGAAACAAGACGACTTTGTG-3'
Protein context (NP_006209.2, residues 61-81): LLQDESSYIF[Val71Ile]SVTQEAEREE